The following is an entry in ClinVar:

ClinVar aggregate classification (germline): Uncertain significance (1 of 4 stars; one submission).

Conditions:
Hereditary cancer-predisposing syndrome. Also called: Neoplastic Syndromes, Hereditary; Tumor predisposition; Hereditary neoplastic syndrome; Hereditary Cancer Syndrome. Identifiers: Orphanet 140162, MedGen C0027672, MeSH D009386, MONDO:0015356.

Submission:

Ambry Genetics
Classification: Uncertain significance for Hereditary cancer-predisposing syndrome. Last evaluated: 2019-10-22. Review status: criteria provided, single submitter. Criteria: Ambry Variant Classification Scheme 2023. Collection method: clinical testing. Allele origin: germline.
Comment: The c.4771_4772delGGinsAA variant (also known as p.G1591N), located in coding exon 14 of the BRCA1 gene, results from an in-frame deletion of GG and insertion of AA at nucleotide positions 4771 to 4772. This results in the substitution of the glycine residue for an asparagine residue at codon 1591, an amino acid with similar properties. This amino acid position is poorly conserved in available vertebrate species. In addition, this alteration is predicted to be neutral by in silico analysis (Choi Y et al. PLoS ONE. 2012; 7(10):e46688). Since supporting evidence is limited at this time, the clinical significance of this alteration remains unclear.

NM_007294.4(BRCA1):c.4771_4772delinsAA (p.Gly1591Asn)

Gene: BRCA1 (BRCA1 DNA repair associated; minus strand). Cytogenetic location: 17q21.31.
Variant type: Indel.
Coding change: c.4771_4772delinsAA on transcript NM_007294.4 (MANE Select); coding-DNA positions 4771 to 4772, GG replaced by AA.
Protein change: p.Gly1591Asn; replaces glycine 1591 with asparagine.
Molecular consequence: missense variant. On other transcripts: non-coding transcript variant (1).
Genome position (GRCh38, 1-based): chr17:43,071,142-43,071,143, CC replaced by TT on the plus strand (GG replaced by AA on the coding strand, the reverse complement: BRCA1 is on the minus strand). VCF-style: chr17-43071142-CC-TT. GRCh37 (hg19) VCF-style: chr17-41223159-CC-TT.
Other names: c.4558_4559delGGinsAA, p.Gly1520Asn (NM_001407571.1, NM_001407894.1, NM_001407895.1 and 12 more transcripts); c.4837_4838delGGinsAA, p.Gly1613Asn (NM_001407581.1, NM_001407582.1); c.4834_4835delGGinsAA, p.Gly1612Asn (NM_001407583.1, NM_001407585.1, NM_001407587.1); c.4831_4832delGGinsAA, p.Gly1611Asn (NM_001407590.1, NM_001407591.1); c.4771_4772delGGinsAA, p.Gly1591Asn (NM_001407593.1, NM_001407594.1, NM_001407596.1 and 8 more transcripts); c.4768_4769delGGinsAA, p.Gly1590Asn (NM_001407610.1, NM_001407611.1, NM_001407612.1 and 17 more transcripts); c.4765_4766delGGinsAA, p.Gly1589Asn (NM_001407627.1, NM_001407628.1, NM_001407629.1 and 14 more transcripts); c.4762_4763delGGinsAA, p.Gly1588Asn (NM_001407644.1, NM_001407645.1); and 73 more; short protein forms G1591N, G1544N, G1612N, G487N, G1464N, G1479N, G1503N, G1547N.
Identifiers: ClinVar variation 825160 (VCV000825160.5), dbSNP rs1597831484, ClinGen allele CA915950109.
Genomic context (GRCh38, chr17:43,071,142, plus strand): 5'-GCAGATTCTGCAACTTTCAATTGGGGAACTTTCAATGCAGAGGTTGAAGATGGTATGTTG[CC>TT]AACACGAGCTGACTCTGGGGCTCTGTCTTCAGAAGGATCAGATTCAGGGTCATCAGAGAA-3'
Protein context (NP_009225.1, residues 1581-1601): EDRAPESARV[Gly1591Asn]NIPSSTSALK